The following is an entry in ClinVar:

ClinVar aggregate classification (germline): Uncertain significance. Review status: criteria provided, multiple submitters, no conflicts (2 of 4 stars). 2 submissions from 2 submitters: Uncertain significance (2). Last evaluated 2026-04-26.

Conditions:
Rubinstein-Taybi syndrome due to CREBBP mutations (RSTS1). Also called: BROAD THUMB-HALLUX SYNDROME; RUBINSTEIN SYNDROME; RUBINSTEIN-TAYBI SYNDROME 1, INCOMPLETE; Rubinstein-Taybi syndrome 1; BROAD THUMBS AND GREAT TOES, CHARACTERISTIC FACIES, AND IMPAIRED INTELLECTUAL DEVELOPMENT; CREBBP-Related Rubinstein-Taybi Syndrome. Identifiers: Orphanet 353277, Orphanet 783, MedGen C4551859, MONDO:0008393, OMIM 180849.
Menke-Hennekam syndrome 1 (MKHK1). Identifiers: MedGen C5193034, MONDO:0020763, OMIM 618332.

gnomAD v4.1: 2 of 1,612,654 alleles (0.00012%); highest among the groups gnomAD compares: African/African-American, 0.0013%; no homozygotes.

Submissions (2):

GeneDx
Classification: Uncertain significance. Last evaluated: 2026-04-26. Review status: criteria provided, single submitter. Criteria: GeneDx Variant Classification Process June 2021. Collection method: clinical testing. Allele origin: germline.
Comment: Not observed at significant frequency in large population cohorts (gnomAD); In silico analysis supports that this missense variant has a deleterious effect on protein structure/function; Has not been previously published as pathogenic or benign to our knowledge; This variant is associated with the following publications: (PMID: 12070251)

Fulgent Genetics
Classification: Uncertain significance for Rubinstein-Taybi syndrome due to CREBBP mutations; Menke-Hennekam syndrome 1. Last evaluated: 2024-03-18. Review status: criteria provided, single submitter. Criteria: ACMG Guidelines, 2015. Collection method: clinical testing. Allele origin: germline.

NM_004380.3(CREBBP):c.4364T>C (p.Ile1455Thr)

Gene: CREBBP (CREB binding lysine acetyltransferase; minus strand). Cytogenetic location: 16p13.3.
Variant type: single nucleotide variant.
Coding change: c.4364T>C on transcript NM_004380.3 (MANE Select); coding-DNA position 4364, T replaced by C.
Protein change: p.Ile1455Thr; replaces isoleucine 1455 with threonine.
Molecular consequence: missense variant.
Genome position (GRCh38, 1-based): chr16:3,738,589, A>G on the plus strand (T>C on the coding strand, the complement: CREBBP is on the minus strand). VCF-style: chr16-3738589-A-G. GRCh37 (hg19) VCF-style: chr16-3788590-A-G.
Other names: c.4364T>C (NM_004380.2); c.4250T>C, p.Ile1417Thr (NM_001079846.1); short protein forms I1455T, I1417T.
Identifiers: ClinVar variation 3580618 (VCV003580618.2).